The following is an entry in ClinVar:

ClinVar aggregate classification (germline): Benign. Review status: criteria provided, multiple submitters, no conflicts (2 of 4 stars). 2 submissions from 2 submitters: Benign (2). Last evaluated 2018-01-12.

Conditions:
Cataract 14 multiple types. Also called: CATARACT 14, ZONULAR PULVERULENT; CATARACT 14, NUCLEAR PULVERULENT; CATARACT 14, NUCLEAR PULVERULENT AND POSTERIOR POLAR; CATARACT 14, NUCLEAR CORALLIFORM; CATARACT 14, EMBRYONAL NUCLEAR; CATARACT 14, COPPOCK-LIKE. Identifiers: Orphanet 91492, MedGen C1866078, MONDO:0011162, OMIM 601885.

Allele frequency attached by ClinVar (database versions not stated): gnomAD exomes 1.00000; 1000 Genomes Project 0.97804; TOPMed 0.97874; gnomAD 0.98010 and 0.98143; 1000 Genomes Project 30x 0.97470.
gnomAD v4.1: 149,784 of 152,592 alleles (98%); highest among the groups gnomAD compares: East Asian, 100%; 73,596 homozygotes.

Submissions (2):

Illumina Laboratory Services, Illumina
Classification: Benign for Cataract 14 multiple types. Last evaluated: 2018-01-12. Review status: criteria provided, single submitter. Criteria: ICSL Variant Classification Criteria 13 December 2019. Collection method: clinical testing. Allele origin: germline.
Comment: This variant was observed in the ICSL laboratory as part of a predisposition screen in an ostensibly healthy population. It had not been previously curated by ICSL or reported in the Human Gene Mutation Database (HGMD: prior to June 1st, 2018), and was therefore a candidate for classification through an automated scoring system. Utilizing variant allele frequency, disease prevalence and penetrance estimates, and inheritance mode, an automated score was calculated to assess if this variant is too frequent to cause the disease. Based on the score and internal cut-off values, a variant classified as benign is not then subjected to further curation. The score for this variant resulted in a classification of benign for this disease.

Breakthrough Genomics
Classification: Benign. Review status: criteria provided, single submitter. Criteria: ACMG Guidelines, 2015. Collection method: not provided. Allele origin: germline. Inheritance: Autosomal dominant inheritance. Affected: yes.

NM_021954.4(GJA3):c.*618G>A

Gene: GJA3 (gap junction protein alpha 3; minus strand). Cytogenetic location: 13q12.11.
Variant type: single nucleotide variant.
Coding change: c.*618G>A on transcript NM_021954.4 (MANE Select); 618 bases downstream of the stop codon, G replaced by A.
Molecular consequence: 3 prime UTR variant.
Genome position (GRCh38, 1-based): chr13:20,141,363, C>T on the plus strand (G>A on the coding strand, the complement: GJA3 is on the minus strand). VCF-style: chr13-20141363-C-T. GRCh37 (hg19) VCF-style: chr13-20715502-C-T.
Identifiers: ClinVar variation 311319 (VCV000311319.6), dbSNP rs9509051, ClinGen allele CA10643926.